The following is an entry in ClinVar:

ClinVar aggregate classification (germline): Uncertain significance. Review status: criteria provided, multiple submitters, no conflicts (2 of 4 stars). 2 submissions from 2 submitters: Uncertain significance (2). Last evaluated 2024-06-12.

Conditions:
Inborn genetic diseases. Identifiers: MedGen C0950123, MeSH D030342.
Autosomal dominant childhood-onset proximal spinal muscular atrophy without contractures. Also called: Spinal muscular atrophy, lower extremity-predominant 1, AD; SPINAL MUSCULAR ATROPHY, CHILDHOOD, PROXIMAL, AUTOSOMAL DOMINANT; SPINAL MUSCULAR ATROPHY, JUVENILE, PROXIMAL, AUTOSOMAL DOMINANT; KUGELBERG-WELANDER SYNDROME, AUTOSOMAL DOMINANT. Identifiers: Orphanet 209341, Orphanet 363447, MedGen C5780022, MONDO:0008026, OMIM 158600.
Charcot-Marie-Tooth disease axonal type 2O. Also called: CHARCOT-MARIE-TOOTH NEUROPATHY, AXONAL, TYPE 2O; CHARCOT-MARIE-TOOTH DISEASE, AXONAL, AUTOSOMAL DOMINANT, TYPE 2O; Charcot-Marie-Tooth Neuropathy Type 2O; Charcot-Marie-Tooth disease, axonal, type 20. Identifiers: Orphanet 284232, MedGen C3280220, MONDO:0013644, OMIM 614228.
Cortical dysplasia, complex, with other brain malformations 13. Also called: Intellectual disability, autosomal dominant 13. Identifiers: MedGen C3281202, MONDO:0013805, OMIM 614563.

Allele frequency attached by ClinVar (database versions not stated): gnomAD exomes below 0.00001.
gnomAD v4.1: 2 of 1,614,230 alleles (0.00012%); highest among the groups gnomAD compares: Non-Finnish European, 0.00017%; no homozygotes.

Submissions (2):

Blueprint Genetics
Classification: Uncertain significance. Last evaluated: 2024-06-12. Review status: criteria provided, single submitter. Criteria: ACMG Guidelines, 2015. Collection method: clinical testing. Allele origin: germline.

Ambry Genetics
Classification: Uncertain significance for Inborn genetic diseases. Last evaluated: 2023-10-27. Review status: criteria provided, single submitter. Criteria: Ambry Variant Classification Scheme 2023. Collection method: clinical testing. Allele origin: germline.
Comment: The c.11989C>T (p.R3997W) alteration is located in coding exon 65 of the DYNC1H1 gene. This alteration results from a C to T substitution at nucleotide position 11989, causing the arginine (R) at amino acid position 3997 to be replaced by a tryptophan (W). This variant was not reported in population-based cohorts in the Genome Aggregation Database (gnomAD). This variant has been determined to be the result of a de novo mutation in one individual with features consistent with DYNC1H1-related neurologic disorders (External communication). This amino acid position is highly conserved in available vertebrate species. The in silico prediction for this alteration is inconclusive. Based on insufficient or conflicting evidence, the clinical significance of this alteration remains unclear.

NM_001376.5(DYNC1H1):c.11989C>T (p.Arg3997Trp)

Gene: DYNC1H1 (dynein cytoplasmic 1 heavy chain 1; plus strand). Cytogenetic location: 14q32.31.
Variant type: single nucleotide variant.
Coding change: c.11989C>T on transcript NM_001376.5 (MANE Select); coding-DNA position 11989, C replaced by T.
Protein change: p.Arg3997Trp; replaces arginine 3997 with tryptophan.
Molecular consequence: missense variant.
Genome position (GRCh38, 1-based): chr14:102,041,621, C>T. VCF-style: chr14-102041621-C-T. GRCh37 (hg19) VCF-style: chr14-102507958-C-T.
Other names: short protein forms R3997W.
Identifiers: ClinVar variation 521171 (VCV000521171.8), dbSNP rs1399236395, ClinGen allele CA391037682.
Genomic context (GRCh38, chr14:102,041,621, plus strand): 5'-GTACCTGTTTCAGCACCCATTGGCCAGGCCATCCACCGCCTGCTCCTGATCCAGGCTTTC[C>T]GGCCCGATCGCCTGTTGGCCATGGCCCACATGTTTGTTTCAACAAACCTTGGGGAGTCTT-3'
Protein context (NP_001367.2, residues 3987-4007): IHRLLLIQAF[Arg3997Trp]PDRLLAMAHM